The following is an entry in ClinVar:

ClinVar aggregate classification (germline): Conflicting classifications of pathogenicity. Review status: criteria provided, conflicting classifications (1 of 4 stars). 3 submissions from 3 submitters: Uncertain significance (2); Likely benign (1). Last evaluated 2026-05-06.

Conditions:
Autosomal recessive congenital ichthyosis 3 (ARCI3). Also called: ICHTHYOSIS, LAMELLAR, 5. Identifiers: MedGen C3539888, MONDO:0011680, OMIM 606545.

Allele frequency attached by ClinVar (database versions not stated): ExAC 0.00061; gnomAD exomes 0.00080; ESP Exome Variant Server 0.00092; gnomAD 0.00143 and 0.00147; TOPMed 0.00182; 1000 Genomes Project 30x 0.00265; 1000 Genomes Project 0.00300.
gnomAD v4.1: 1,064 of 1,614,174 alleles (0.066%); highest among the groups gnomAD compares: Middle Eastern, 0.41%; 4 homozygotes.

Submissions (3):

GeneDx
Classification: Uncertain significance. Last evaluated: 2026-05-06. Review status: criteria provided, single submitter. Criteria: GeneDx Variant Classification Process June 2021. Collection method: clinical testing. Allele origin: germline.
Comment: In silico analysis supports that this missense variant has a deleterious effect on protein structure/function; This variant is associated with the following publications: (PMID: 41892076, 17139268)

Labcorp Genetics (formerly Invitae), Labcorp
Classification: Likely benign. Last evaluated: 2026-01-20. Review status: criteria provided, single submitter. Criteria: Invitae Variant Classification Sherloc (09022015). Collection method: clinical testing. Allele origin: germline.

Illumina Laboratory Services, Illumina
Classification: Uncertain significance for Autosomal recessive congenital ichthyosis 3. Last evaluated: 2018-01-12. Review status: criteria provided, single submitter. Criteria: ICSL Variant Classification Criteria 13 December 2019. Collection method: clinical testing. Allele origin: germline.

NM_021628.3(ALOXE3):c.2008C>T (p.Arg670Trp)

Gene: ALOXE3 (arachidonate epidermal lipoxygenase 3; minus strand). Cytogenetic location: 17p13.1.
Variant type: single nucleotide variant.
Coding change: c.2008C>T on transcript NM_021628.3 (MANE Select); coding-DNA position 2008, C replaced by T.
Protein change: p.Arg670Trp; replaces arginine 670 with tryptophan.
Molecular consequence: missense variant.
Genome position (GRCh38, 1-based): chr17:8,096,755, G>A on the plus strand (C>T on the coding strand, the complement: ALOXE3 is on the minus strand). VCF-style: chr17-8096755-G-A. GRCh37 (hg19) VCF-style: chr17-8000073-G-A.
Other names: c.2404C>T, p.Arg802Trp (NM_001165960.1); c.2005C>T, p.Arg669Trp (NM_001369446.1); short protein forms R802W, R670W, R669W.
Identifiers: ClinVar variation 325957 (VCV000325957.15), dbSNP rs141882639, ClinGen allele CA8367881.